The following is an entry in ClinVar:

NM_058163.3(TSR2):c.511G>A (p.Ala171Thr)

Gene: TSR2 (TSR2 ribosome maturation factor; plus strand). Cytogenetic location: Xp11.22.
Variant type: single nucleotide variant.
Coding change: c.511G>A on transcript NM_058163.3 (MANE Select); coding-DNA position 511, G replaced by A.
Protein change: p.Ala171Thr; replaces alanine 171 with threonine.
Molecular consequence: missense variant.
Genome position (GRCh38, 1-based): chrX:54,444,485, G>A. VCF-style: chrX-54444485-G-A. GRCh37 (hg19) VCF-style: chrX-54470918-G-A.
Other names: c.502G>A, p.Ala168Thr (NM_001346789.2); c.226G>A, p.Ala76Thr (NM_001346790.2, NM_001346791.2, NM_001346792.2); short protein forms A171T, A168T, A76T.
Identifiers: ClinVar variation 1972430 (VCV001972430.5), dbSNP rs779368449, ClinGen allele CA10424858.
Genomic context (GRCh38, chrX:54,444,485, plus strand): 5'-ACGAATGATGGGGCTGCTACAGATGGGGTCTGCCCCCAGCCTGAACCCTCTGATCCAGAC[G>A]CTCAGACTATTAAGGAAGAGGATATAGTGGAAGATGGCTGGACCATTGTCCGGAGAAAAA-3'
Protein context (NP_477511.1, residues 161-181): CPQPEPSDPD[Ala171Thr]QTIKEEDIVE

ClinVar aggregate classification (germline): Uncertain significance (1 of 4 stars; one submission).

Allele frequency attached by ClinVar (database versions not stated): ExAC 0.00001; gnomAD exomes below 0.00001; TOPMed 0.00001.

Submission:

Labcorp Genetics (formerly Invitae), Labcorp
Classification: Uncertain significance. Last evaluated: 2025-05-16. Review status: criteria provided, single submitter. Criteria: Invitae Variant Classification Sherloc (09022015). Collection method: clinical testing. Allele origin: germline.
Comment: This sequence change replaces alanine, which is neutral and non-polar, with threonine, which is neutral and polar, at codon 171 of the TSR2 protein (p.Ala171Thr). The frequency data for this variant in the population databases is considered unreliable, as metrics indicate poor data quality at this position in the gnomAD database. This variant has not been reported in the literature in individuals affected with TSR2-related conditions. ClinVar contains an entry for this variant (Variation ID: 1972430). An algorithm developed to predict the effect of missense changes on protein structure and function outputs the following: PolyPhen-2: "Benign". The threonine amino acid residue is found in multiple mammalian species, which suggests that this missense change does not adversely affect protein function. In summary, the available evidence is currently insufficient to determine the role of this variant in disease. Therefore, it has been classified as a Variant of Uncertain Significance.